The following is an entry in ClinVar:

ClinVar aggregate classification (germline): Uncertain significance (1 of 4 stars; one submission).

Conditions:
Developmental and epileptic encephalopathy, 12 (DEE12). Identifiers: MedGen C3150988, MONDO:0013389, OMIM 613722.

Submission:

Labcorp Genetics (formerly Invitae), Labcorp
Classification: Uncertain significance for Developmental and epileptic encephalopathy, 12. Last evaluated: 2021-04-26. Review status: criteria provided, single submitter. Criteria: Invitae Variant Classification Sherloc (09022015). Collection method: clinical testing. Allele origin: germline.
Comment: This variant is not present in population databases (ExAC no frequency). This sequence change replaces phenylalanine with cysteine at codon 713 of the PLCB1 protein (p.Phe713Cys). The phenylalanine residue is moderately conserved and there is a large physicochemical difference between phenylalanine and cysteine. This variant has not been reported in the literature in individuals with PLCB1-related conditions. Algorithms developed to predict the effect of missense changes on protein structure and function are either unavailable or do not agree on the potential impact of this missense change (SIFT: "Deleterious"; PolyPhen-2: "Possibly Damaging"; Align-GVGD: "Class C0"). Algorithms developed to predict the effect of sequence changes on RNA splicing suggest that this variant may create or strengthen a splice site, but this prediction has not been confirmed by published transcriptional studies. In summary, the available evidence is currently insufficient to determine the role of this variant in disease. Therefore, it has been classified as a Variant of Uncertain Significance.

NM_015192.4(PLCB1):c.2138T>G (p.Phe713Cys)

Gene: PLCB1 (phospholipase C beta 1; plus strand). Cytogenetic location: 20p12.3.
Variant type: single nucleotide variant.
Coding change: c.2138T>G on transcript NM_015192.4 (MANE Select); coding-DNA position 2138, T replaced by G.
Protein change: p.Phe713Cys; replaces phenylalanine 713 with cysteine.
Molecular consequence: missense variant.
Genome position (GRCh38, 1-based): chr20:8,737,122, T>G. VCF-style: chr20-8737122-T-G. GRCh37 (hg19) VCF-style: chr20-8717769-T-G.
Other names: c.2138T>G, p.Phe713Cys (NM_182734.3); short protein forms F713C.
Identifiers: ClinVar variation 1486110 (VCV001486110.8), dbSNP rs2123510528, ClinGen allele CA408206858.